The following is an entry in ClinVar:

ClinVar aggregate classification (germline): Uncertain significance (1 of 4 stars; one submission).

Conditions:
Hereditary cancer-predisposing syndrome. Also called: Neoplastic Syndromes, Hereditary; Tumor predisposition; Hereditary Cancer Syndrome; Hereditary neoplastic syndrome. Identifiers: Orphanet 140162, MedGen C0027672, MeSH D009386, MONDO:0015356.

Submissions (2):

Ambry Genetics
Classification: Uncertain significance for Hereditary cancer-predisposing syndrome. Last evaluated: 2025-05-09. Review status: criteria provided, single submitter. Criteria: Ambry Variant Classification Scheme 2023. Collection method: clinical testing. Allele origin: germline.
Comment: The p.S1841C variant (also known as c.5521A>T), located in coding exon 22 of the BRCA1 gene, results from an A to T substitution at nucleotide position 5521. The serine at codon 1841 is replaced by cysteine, an amino acid with dissimilar properties. One functional study found that this nucleotide substitution is functional in a high throughput genome editing haploid cell survival assay (Findlay GM et al. Nature, 2018 Oct;562:217-222). This variant was also functional in homology directed repair and cisplatin resistance protein functional assays (Adamovich AI et al. Am J Hum Genet, 2022 Apr;109:618-630). This amino acid position is highly conserved in available vertebrate species. In addition, this alteration is predicted to be deleterious by in silico analysis. Based on the available evidence, the clinical significance of this variant remains unclear.

Brotman Baty Institute, University of Washington
No classification provided (evidence only). Condition: Breast-ovarian cancer, familial 1. Review status: no classification provided. Collection method: in vitro. Allele origin: not applicable. Functional consequence: functionally_normal. Not counted in ClinVar's aggregate classification.
ClinVar note: "not provided" was previously submitted as the classification for the variant. However, the classification appeared to be based only on an observation of functional data so it was converted to no classification on 2025-07-30.

Literature cited by the submitters: PubMed 30209399 (cited by Ambry Genetics); PubMed 35196514 (cited by Ambry Genetics).

NM_007294.4(BRCA1):c.5521A>T (p.Ser1841Cys)

Gene: BRCA1 (BRCA1 DNA repair associated; minus strand). Cytogenetic location: 17q21.31.
Variant type: single nucleotide variant.
Coding change: c.5521A>T on transcript NM_007294.4 (MANE Select); coding-DNA position 5521, A replaced by T.
Protein change: p.Ser1841Cys; replaces serine 1841 with cysteine.
Molecular consequence: missense variant. On other transcripts: 3 prime UTR variant (1), non-coding transcript variant (1).
Genome position (GRCh38, 1-based): chr17:43,045,749, T>A on the plus strand (A>T on the coding strand, the complement: BRCA1 is on the minus strand). VCF-style: chr17-43045749-T-A. GRCh37 (hg19) VCF-style: chr17-41197766-T-A.
Other names: c.5518A>T, p.Ser1840Cys (NM_001407615.1, NM_001407616.1, NM_001407617.1 and 14 more transcripts); c.5515A>T, p.Ser1839Cys (NM_001407634.1, NM_001407635.1, NM_001407636.1 and 13 more transcripts); c.5512A>T, p.Ser1838Cys (NM_001407644.1, NM_001407645.1); c.5440A>T, p.Ser1814Cys (NM_001407656.1, NM_001407657.1, NM_001407658.1); c.5437A>T, p.Ser1813Cys (NM_001407659.1, NM_001407660.1, NM_001407661.1 and 2 more transcripts); c.5398A>T, p.Ser1800Cys (NM_001407664.1, NM_001407665.1, NM_001407666.1 and 3 more transcripts); c.2212A>T, p.Ser738Cys (NM_001407973.1, NM_001407974.1, NM_001407975.1 and 3 more transcripts); c.2209A>T, p.Ser737Cys (NM_001407979.1, NM_001407980.1, NM_001407981.1 and 11 more transcripts); and 74 more; short protein forms S1794C, S1841C, S1862C, S737C, S1545C, S1714C, S1728C, S1729C.
Identifiers: ClinVar variation 868617 (VCV000868617.4), dbSNP rs80357299, ClinGen allele CA10590276.
Genomic context (GRCh38, chr17:43,045,749, plus strand): 5'-TGTGGGGGATCTGGGGTATCAGGTAGGTGTCCAGCTCCTGGCACTGGTAGAGTGCTACAC[T>A]GTCCAACACCCACTCTCGGGTCACCACAGGTGCCTCACACATCTGCCCAATTGCTGGAGA-3'
Protein context (NP_009225.1, residues 1831-1851): PVVTREWVLD[Ser1841Cys]VALYQCQELD